The following is an entry in ClinVar:

NM_000215.4(JAK3):c.1890G>A (p.Gln630=)

Gene: JAK3 (Janus kinase 3; minus strand). Cytogenetic location: 19p13.11.
Variant type: single nucleotide variant.
Coding change: c.1890G>A on transcript NM_000215.4 (MANE Select); coding-DNA position 1890, G replaced by A.
Protein change: p.Gln630=; no amino-acid change (glutamine 630 retained).
Molecular consequence: synonymous variant.
Genome position (GRCh38, 1-based): chr19:17,835,948, C>T on the plus strand (G>A on the coding strand, the complement: JAK3 is on the minus strand). VCF-style: chr19-17835948-C-T. GRCh37 (hg19) VCF-style: chr19-17946757-C-T.
Identifiers: ClinVar variation 36417 (VCV000036417.22), dbSNP rs193922363, ClinGen allele CA214085.

ClinVar aggregate classification (germline): Benign/Likely benign. Review status: criteria provided, multiple submitters, no conflicts (2 of 4 stars). 5 submissions from 5 submitters: Benign (3); Likely benign (2). Last evaluated 2026-06-16.

Conditions:
JAK3-related disorder. Also called: JAK3-related condition.
T-B+ severe combined immunodeficiency due to JAK3 deficiency. Also called: SCID, autosomal recessive, T-negative/B-positive type; SCID, T CELL-NEGATIVE, B CELL-POSITIVE, NK CELL-NEGATIVE. Identifiers: Orphanet 35078, MedGen C1833275, MONDO:0010938, OMIM 600802.

Allele frequency attached by ClinVar (database versions not stated): gnomAD below 0.00001 and 0.00032; TOPMed 0.00005; ESP Exome Variant Server 0.00008; gnomAD exomes 0.00061 and 0.00129; ExAC 0.00144; 1000 Genomes Project 30x 0.00265; 1000 Genomes Project 0.00280.
gnomAD v4.1: 925 of 1,614,100 alleles (0.057%); highest among the groups gnomAD compares: South Asian, 0.97%; 15 homozygotes.

Submissions (5):

PreventionGenetics, part of Exact Sciences
Classification: Likely benign for JAK3-related condition. Last evaluated: 2026-06-16. Review status: criteria provided, single submitter. Criteria: ACMG Guidelines, 2015. Collection method: clinical testing. Allele origin: germline.
Comment: This variant is classified as likely benign based on ACMG/AMP sequence variant interpretation guidelines (Richards et al. 2015 PMID: 25741868, with internal and published modifications).

Labcorp Genetics (formerly Invitae), Labcorp
Classification: Benign for T-B+ severe combined immunodeficiency due to JAK3 deficiency. Last evaluated: 2026-02-04. Review status: criteria provided, single submitter. Criteria: Invitae Variant Classification Sherloc (09022015). Collection method: clinical testing. Allele origin: germline.

Women's Health and Genetics/Laboratory Corporation of America, LabCorp
Classification: Benign. Last evaluated: 2024-12-06. Review status: criteria provided, single submitter. Criteria: LabCorp Variant Classification Summary - May 2015. Collection method: clinical testing. Allele origin: germline.

Blueprint Genetics
Classification: Likely benign. Last evaluated: 2024-09-18. Review status: criteria provided, single submitter. Criteria: ACMG Guidelines, 2015. Collection method: clinical testing. Allele origin: germline.

Illumina Laboratory Services, Illumina
Classification: Benign for T-B+ severe combined immunodeficiency due to JAK3 deficiency. Last evaluated: 2018-01-13. Review status: criteria provided, single submitter. Criteria: ICSL Variant Classification Criteria 13 December 2019. Collection method: clinical testing. Allele origin: germline.
Comment: This variant was observed in the ICSL laboratory as part of a predisposition screen in an ostensibly healthy population. It had not been previously curated by ICSL or reported in the Human Gene Mutation Database (HGMD: prior to June 1st, 2018), and was therefore a candidate for classification through an automated scoring system. Utilizing variant allele frequency, disease prevalence and penetrance estimates, and inheritance mode, an automated score was calculated to assess if this variant is too frequent to cause the disease. Based on the score and internal cut-off values, a variant classified as benign is not then subjected to further curation. The score for this variant resulted in a classification of benign for this disease.

Literature cited by the submitters: PubMed 16843266 (cited by Women's Health and Genetics/Laboratory Corporation of America, LabCorp); PubMed 17252020 (cited by Women's Health and Genetics/Laboratory Corporation of America, LabCorp); PubMed 23832011 (cited by Women's Health and Genetics/Laboratory Corporation of America, LabCorp); PubMed 22425895 (cited by Women's Health and Genetics/Laboratory Corporation of America, LabCorp); PubMed 25595890 (cited by Women's Health and Genetics/Laboratory Corporation of America, LabCorp); PubMed 22237106 (cited by Women's Health and Genetics/Laboratory Corporation of America, LabCorp); PubMed 24446122 (cited by Women's Health and Genetics/Laboratory Corporation of America, LabCorp).